The following is an entry in ClinVar:

NM_014003.4(DHX38):c.340C>T (p.Arg114Trp)

Gene: DHX38 (DEAH-box helicase 38; plus strand). Cytogenetic location: 16q22.2.
Variant type: single nucleotide variant.
Coding change: c.340C>T on transcript NM_014003.4 (MANE Select); coding-DNA position 340, C replaced by T.
Protein change: p.Arg114Trp; replaces arginine 114 with tryptophan.
Molecular consequence: missense variant.
Genome position (GRCh38, 1-based): chr16:72,096,838, C>T. VCF-style: chr16-72096838-C-T. GRCh37 (hg19) VCF-style: chr16-72130737-C-T.
Other names: short protein forms R114W.
Identifiers: ClinVar variation 840780 (VCV000840780.9), dbSNP rs370388859, ClinGen allele CA8159939.

ClinVar aggregate classification (germline): Uncertain significance. Review status: criteria provided, multiple submitters, no conflicts (2 of 4 stars). 3 submissions from 3 submitters: Uncertain significance (3). Last evaluated 2025-06-29.

Allele frequency attached by ClinVar (database versions not stated): ExAC 0.00016; gnomAD exomes 0.00018 and 0.00025; TOPMed 0.00018; gnomAD 0.00019 and 0.00022; ESP Exome Variant Server 0.00023.

Submissions (3):

Ambry Genetics
Classification: Uncertain significance. Last evaluated: 2025-06-29. Review status: criteria provided, single submitter. Criteria: Ambry Variant Classification Scheme 2023. Collection method: clinical testing. Allele origin: germline.

Labcorp Genetics (formerly Invitae), Labcorp
Classification: Uncertain significance. Last evaluated: 2025-01-13. Review status: criteria provided, single submitter. Criteria: Invitae Variant Classification Sherloc (09022015). Collection method: clinical testing. Allele origin: germline.
Comment: This sequence change replaces arginine, which is basic and polar, with tryptophan, which is neutral and slightly polar, at codon 114 of the DHX38 protein (p.Arg114Trp). This variant is present in population databases (rs370388859, gnomAD 0.03%). This variant has not been reported in the literature in individuals affected with DHX38-related conditions. ClinVar contains an entry for this variant (Variation ID: 840780). An algorithm developed to predict the effect of missense changes on protein structure and function (PolyPhen-2) suggests that this variant¬†is likely to be tolerated. In summary, the available evidence is currently insufficient to determine the role of this variant in disease. Therefore, it has been classified as a Variant of Uncertain Significance.

Blueprint Genetics
Classification: Uncertain significance. Last evaluated: 2024-10-15. Review status: criteria provided, single submitter. Criteria: ACMG Guidelines, 2015. Collection method: clinical testing. Allele origin: germline.